The following is an entry in ClinVar:

NM_000492.4(CFTR):c.2843T>C (p.Leu948Ser)

Gene: CFTR (CF transmembrane conductance regulator; plus strand). Cytogenetic location: 7q31.2.
Variant type: single nucleotide variant.
Coding change: c.2843T>C on transcript NM_000492.4 (MANE Select); coding-DNA position 2843, T replaced by C.
Protein change: p.Leu948Ser; replaces leucine 948 with serine.
Molecular consequence: missense variant.
Genome position (GRCh38, 1-based): chr7:117,603,717, T>C. VCF-style: chr7-117603717-T-C. GRCh37 (hg19) VCF-style: chr7-117243771-T-C.
Other names: short protein forms L948S.
Identifiers: ClinVar variation 3231870 (VCV003231870.2), dbSNP rs775570582, ClinGen allele CA164960312.

ClinVar aggregate classification (germline): Uncertain significance (1 of 4 stars; one submission).

Conditions:
Cystic fibrosis (CF). Also called: MUCOVISCIDOSIS. Identifiers: Orphanet 586, MedGen C0010674, MONDO:0009061, OMIM 219700. Disease mechanism: loss of function.

Submission:

Ambry Genetics
Classification: Uncertain significance for Cystic fibrosis. Last evaluated: 2025-10-28. Review status: criteria provided, single submitter. Criteria: Ambry Variant Classification Scheme 2023. Collection method: clinical testing. Allele origin: germline.
Comment: The p.L948S variant (also known as c.2843T>C), located in coding exon 17 of the CFTR gene, results from a T to C substitution at nucleotide position 2843. The leucine at codon 948 is replaced by serine, an amino acid with dissimilar properties. This amino acid position is conserved. In addition, this alteration is predicted to be deleterious by in silico analysis. Since supporting evidence is limited at this time, the clinical significance of this alteration remains unclear.